The following is an entry in ClinVar:

NM_001270.4(CHD1):c.4198G>T (p.Val1400Phe)

Gene: CHD1 (chromodomain helicase DNA binding protein 1; minus strand). Cytogenetic location: 5q15.
Variant type: single nucleotide variant.
Coding change: c.4198G>T on transcript NM_001270.4 (MANE Select); coding-DNA position 4198, G replaced by T.
Protein change: p.Val1400Phe; replaces valine 1400 with phenylalanine.
Molecular consequence: missense variant. On other transcripts: non-coding transcript variant (2).
Genome position (GRCh38, 1-based): chr5:98,868,545, C>A on the plus strand (G>T on the coding strand, the complement: CHD1 is on the minus strand). VCF-style: chr5-98868545-C-A. GRCh37 (hg19) VCF-style: chr5-98204249-C-A.
Other names: c.4462G>T, p.Val1488Phe (NM_001364113.3); c.4198G>T, p.Val1400Phe (NM_001376194.2); short protein forms V1400F, V1488F.
Identifiers: ClinVar variation 4846987 (VCV004846987.1).

ClinVar aggregate classification (germline): Uncertain significance (1 of 4 stars; one submission).

Conditions:
Pilarowski-Bjornsson syndrome. Also called: DEVELOPMENTAL DELAY AND SPEECH APRAXIA WITH OR WITHOUT SEIZURES. Identifiers: Orphanet 529965, MedGen C4540131, MONDO:0060568, OMIM 617682.

gnomAD v4.1: 4 of 1,612,608 alleles (0.00025%); highest among the groups gnomAD compares: East Asian, 0.0089%; no homozygotes.

Submission:

Laboratorio de Genetica e Diagnostico Molecular, Hospital Israelita Albert Einstein
Classification: Uncertain significance for Pilarowski-Bjornsson syndrome. Last evaluated: 2026-02-23. Review status: criteria provided, single submitter. Criteria: ACMG Guidelines, 2015. Collection method: clinical testing. Allele origin: germline. Affected: yes.
Comment: ACMG classification criteria: PM2 supporting, PP2 supporting, BP4 supporting